The following is an entry in ClinVar:

ClinVar aggregate classification (germline): Conflicting classifications of pathogenicity. Review status: criteria provided, conflicting classifications (1 of 4 stars). 7 submissions from 7 submitters: Uncertain significance (2); Benign (2); Likely benign (3). Last evaluated 2026-01-25.

Conditions:
Hypertrophic cardiomyopathy 2. Also called: TNNT2-Related Familial Hypertrophic Cardiomyopathy. Identifiers: MedGen C1861864, MONDO:0007266, OMIM 115195.
Cardiomyopathy, familial restrictive, 3. Identifiers: Orphanet 75249, MedGen C2676271, MONDO:0012900, OMIM 612422.
Dilated cardiomyopathy 1D. Identifiers: Orphanet 154, Orphanet 54260, MedGen C1832243, MONDO:0011095, OMIM 601494.
Cardiomyopathy (CMYO). Also called: Cardiomyopathies. Identifiers: Orphanet 167848, MedGen C0878544, MONDO:0004994, HP:0001638. Inheritance: Various modes of inheritance.

Allele frequency attached by ClinVar (database versions not stated): gnomAD exomes 0.00002 and 0.00007; ExAC 0.00009; TOPMed 0.00022; gnomAD 0.00028 and 0.00031; ESP Exome Variant Server 0.00048; 1000 Genomes Project 0.00060.

Submissions (7):

Labcorp Genetics (formerly Invitae), Labcorp
Classification: Benign for Cardiomyopathy, familial restrictive, 3; Hypertrophic cardiomyopathy 2; Dilated cardiomyopathy 1D. Last evaluated: 2026-01-25. Review status: criteria provided, single submitter. Criteria: Invitae Variant Classification Sherloc (09022015). Collection method: clinical testing. Allele origin: germline.

Women's Health and Genetics/Laboratory Corporation of America, LabCorp
Classification: Benign. Last evaluated: 2025-05-12. Review status: criteria provided, single submitter. Criteria: LabCorp Variant Classification Summary - May 2015. Collection method: clinical testing. Allele origin: germline.
Comment: Variant summary: TNNT2 c.690-13_690-11delCTT alters a nucleotide located at a position not widely known to affect splicing. Several computational tools predict a significant impact on normal splicing: Three predict the variant abolishes a 3' acceptor site. However, these predictions have yet to be confirmed by functional studies. The variant allele was found at a frequency of 7.2e-05 in 251436 control chromosomes, predominantly at a frequency of 0.00092 within the African or African-American subpopulation in the gnomAD database. The observed variant frequency within African or African-American control individuals in the gnomAD database is approximately 5.3 fold of the estimated maximal expected allele frequency for a pathogenic variant in TNNT2 causing Cardiomyopathy phenotype (0.00018). To our knowledge, no occurrence of c.690-13_690-11delCTT in individuals affected with Cardiomyopathy and no experimental evidence demonstrating its impact on protein function have been reported. ClinVar contains an entry for this variant (Variation ID: 43663). Based on the evidence outlined above, the variant was classified as benign.

All of Us Research Program, National Institutes of Health
Classification: Likely benign for Cardiomyopathy. Last evaluated: 2023-12-18. Review status: criteria provided, single submitter. Criteria: ACMG Guidelines, 2015. Collection method: clinical testing. Allele origin: germline. Inheritance: Autosomal dominant inheritance. Observed: 20 variant alleles, 20 heterozygotes.
Comment: This study involves interpretation of variants in research participants for the purpose of population health screening. Participant phenotype was not available at the time of variant classification. Additional details can be found in publication PMID: 35346344, PMCID: PMC8962531

ARUP Laboratories, Molecular Genetics and Genomics, ARUP Laboratories
Classification: Uncertain significance. Last evaluated: 2019-11-11. Review status: criteria provided, single submitter. Criteria: ARUP Molecular Germline Variant Investigation Process. Collection method: clinical testing. Allele origin: germline.
Comment: The TNNT2 c.690-13_690-11delCTT variant (rs397516480), to our knowledge, is not reported in the medical literature but is reported in ClinVar (Variation ID: 43663). This variant is found in the African population with an allele frequency of 0.10% (25/24942 alleles) in the Genome Aggregation Database. This is an intronic variant that deletes 3 nucleotides, and computational analyses (Alamut v.2.11) predict that this variant may impact splicing by weakening the nearby canonical acceptor splice site. Due to limited information, the clinical significance of the c.690-13_690-11delCTT variant is uncertain at this time.

Color Diagnostics, LLC DBA Color Health
Classification: Likely benign for Cardiomyopathy. Last evaluated: 2019-03-19. Review status: criteria provided, single submitter. Criteria: ACMG Guidelines, 2015. Collection method: clinical testing. Allele origin: germline.

GeneDx
Classification: Likely benign. Last evaluated: 2016-02-25. Review status: criteria provided, single submitter. Criteria: GeneDx Variant Classification (06012015). Collection method: clinical testing. Allele origin: germline. Affected: yes.
Comment: This variant is considered likely benign or benign based on one or more of the following criteria: it is a conservative change, it occurs at a poorly conserved position in the protein, it is predicted to be benign by multiple in silico algorithms, and/or has population frequency not consistent with disease.

Laboratory for Molecular Medicine, Mass General Brigham Personalized Medicine
Classification: Uncertain significance. Last evaluated: 2011-10-14. Review status: criteria provided, single submitter. Criteria: LMM Criteria. Collection method: clinical testing. Allele origin: germline. Observed: 1 variant allele.
Comment: The 690-13_690-11delCTT variant has not been previously reported nor previously identified by our laboratory. This variant is located in the 3' splice region b ut does not affect the highly conserved -1 and -2 positions. Positions -3 and - 5 to -12 are part of the splicing consensus sequence and variants involving thes e positions can sometimes affect splicing.

NM_001276345.2(TNNT2):c.720-13_720-11del

Gene: TNNT2 (troponin T2, cardiac type; minus strand). Cytogenetic location: 1q32.1.
Variant type: Deletion.
Coding change: c.720-13_720-11del on transcript NM_001276345.2 (MANE Select); 13 bases into the intron before coding-DNA position 720 through 11 bases into the intron before coding-DNA position 720, 3 bases deleted (CTT; older notation c.720-13_720-11delCTT).
Molecular consequence: intron variant.
Genome position (GRCh38, 1-based): chr1:201,361,380-201,361,382, AAG deleted on the plus strand (CTT on the coding strand, the reverse complement: TNNT2 is on the minus strand). VCF-style (leftmost placement, unchanged base first): chr1-201361379-CAAG-C. GRCh37 (hg19) VCF-style: chr1-201330507-CAAG-C.
Other names: c.690-13_690-11del (NM_001001430.1, NM_001001430.3, NM_001276347.2); c.690-13_690-11delCTT (NM_001001430.3); c.672-13_672-11del (NM_001001432.3); c.681-13_681-11del (NM_001001431.3); c.591-13_591-11del (NM_001276346.2); c.711-13_711-11del (NM_000364.4).
Identifiers: ClinVar variation 43663 (VCV000043663.26), dbSNP rs397516480, ClinGen allele CA004972.